The following is an entry in ClinVar:

ClinVar aggregate classification (germline): Likely benign. Review status: reviewed by expert panel (3 of 4 stars). 2 submissions from 2 submitters: Likely benign (1). 1 of the submissions does not count toward it. Last evaluated 2024-09-10.

Conditions:
Hereditary thrombocytopenia and hematologic cancer predisposition syndrome. Identifiers: Orphanet 71290, MedGen CN281654, MONDO:0011071.
Hereditary thrombocytopenia and hematological cancer predisposition syndrome associated with RUNX1. Also called: RUNX1 Familial Platelet Disorder with Associated Myeloid Malignancies; Familial Platelet Disorder with Propensity to Acute Myelogenous Leukemia; Familial thrombocytopenia with propensity to acute myelogenous leukemia; PLATELET DISORDER, ASPIRIN-LIKE. Identifiers: Orphanet 71290, MedGen C1832388, MeSH C563324, MONDO:0100083, OMIM 601399.

Submissions (2):

ClinGen Myeloid Malignancy Variant Curation Expert Panel
Classification: Likely benign for Hereditary thrombocytopenia and hematologic cancer predisposition syndrome. Last evaluated: 2024-09-10. Review status: reviewed by expert panel. Criteria: ClinGen MyeloMalig ACMG Specifications v2. Collection method: curation. Allele origin: germline. Inheritance: Autosomal dominant inheritance.
Comment: NM_001754.5(RUNX1):c.1074G>A (p.Thr358=) is a synonymous variant which has a SpliceAI score ≤ 0.20 (0.0) (BP4). This variant has a SpliceAI score ≤ 0.20 (0.0) and evolutionary conservation algorithms predict the site as not being conserved (PhyloP score ≤ 2.0 (-1.75) (BP7). This variant is completely absent from all population databases with at least 20x coverage for RUNX1 (PM2_Supporting). In summary, this variant meets criteria to be classified as likely benign. ACMG/AMP criteria applied, as specified by the Myeloid Malignancy Variant Curation Expert Panel for RUNX1: BP4, BP7, PM2_supporting.

Labcorp Genetics (formerly Invitae), Labcorp
Classification: Likely benign for Hereditary thrombocytopenia and hematological cancer predisposition syndrome associated with RUNX1. Last evaluated: 2021-05-13. Review status: criteria provided, single submitter. Criteria: Invitae Variant Classification Sherloc (09022015). Collection method: clinical testing. Allele origin: germline. Not counted in ClinVar's aggregate classification.

NM_001754.5(RUNX1):c.1074G>A (p.Thr358=)

Gene: RUNX1 (RUNX family transcription factor 1; minus strand). Cytogenetic location: 21q22.12.
Variant type: single nucleotide variant.
Coding change: c.1074G>A on transcript NM_001754.5 (MANE Select); coding-DNA position 1074, G replaced by A.
Protein change: p.Thr358=; no amino-acid change (threonine 358 retained).
Molecular consequence: synonymous variant.
Genome position (GRCh38, 1-based): chr21:34,792,504, C>T on the plus strand (G>A on the coding strand, the complement: RUNX1 is on the minus strand). VCF-style: chr21-34792504-C-T. GRCh37 (hg19) VCF-style: chr21-36164801-C-T.
Other names: NM_001754.5(RUNX1):c.1074G>A; p.Thr358=; c.993G>A, p.Thr331= (NM_001001890.3).
Identifiers: ClinVar variation 1573179 (VCV001573179.9), dbSNP rs2145877172, ClinGen allele CA512341328.
Genomic context (GRCh38, chr21:34,792,504, plus strand): 5'-GTGGTAGCGCGTGGCCGAGCCCATGGCCGACATGCCGATGCCGATGCCCGAGGTGACCGG[C>T]GTCGGGGAGTAGGTGAAGGCGCCTGGATAGTGCATGCGGGGGTCGGAGATGGAGGGCAGC-3'
Protein context (NP_001745.2, residues 348-368): HYPGAFTYSP[Thr358=]PVTSGIGIGM